The following is an entry in ClinVar:

NM_005566.4(LDHA):c.470G>A (p.Arg157His)

Gene: LDHA (lactate dehydrogenase A; plus strand). Cytogenetic location: 11p15.1.
Variant type: single nucleotide variant.
Coding change: c.470G>A on transcript NM_005566.4 (MANE Select); coding-DNA position 470, G replaced by A.
Protein change: p.Arg157His; replaces arginine 157 with histidine.
Molecular consequence: missense variant. On other transcripts: non-coding transcript variant (1).
Genome position (GRCh38, 1-based): chr11:18,402,891, G>A. VCF-style: chr11-18402891-G-A. GRCh37 (hg19) VCF-style: chr11-18424438-G-A.
Other names: c.296G>A, p.Arg99His (NM_001135239.2); c.557G>A, p.Arg186His (NM_001165414.2); c.470G>A, p.Arg157His (NM_001165415.2, NM_001165416.2); short protein forms R157H, R99H, R186H.
Identifiers: ClinVar variation 1411875 (VCV001411875.4), dbSNP rs368815124, ClinGen allele CA5911307.

ClinVar aggregate classification (germline): Uncertain significance. Review status: criteria provided, multiple submitters, no conflicts (2 of 4 stars). 2 submissions from 2 submitters: Uncertain significance (2). Last evaluated 2022-03-05.

Conditions:
Glycogen storage disease due to lactate dehydrogenase M-subunit deficiency (GSD11). Also called: GSD XI; LACTATE DEHYDROGENASE A DEFICIENCY; Glycogen storage disease XI. Identifiers: Orphanet 284426, MedGen C2931743, MONDO:0013047, OMIM 612933.

Allele frequency attached by ClinVar (database versions not stated): ESP Exome Variant Server 0.00008.

Submissions (2):

Fulgent Genetics
Classification: Uncertain significance for Glycogen storage disease due to lactate dehydrogenase M-subunit deficiency. Last evaluated: 2022-03-05. Review status: criteria provided, single submitter. Criteria: ACMG Guidelines, 2015. Collection method: clinical testing. Allele origin: unknown.

Labcorp Genetics (formerly Invitae), Labcorp
Classification: Uncertain significance for Glycogen storage disease due to lactate dehydrogenase M-subunit deficiency. Last evaluated: 2021-10-22. Review status: criteria provided, single submitter. Criteria: Invitae Variant Classification Sherloc (09022015). Collection method: clinical testing. Allele origin: germline.
Comment: This sequence change replaces arginine with histidine at codon 157 of the LDHA protein (p.Arg157His). The arginine residue is highly conserved and there is a small physicochemical difference between arginine and histidine. The frequency data for this variant in the population databases is considered unreliable, as metrics indicate poor data quality at this position in the ExAC database. This variant has not been reported in the literature in individuals affected with LDHA-related conditions. Algorithms developed to predict the effect of missense changes on protein structure and function (SIFT, PolyPhen-2, Align-GVGD) all suggest that this variant is likely to be tolerated. In summary, the available evidence is currently insufficient to determine the role of this variant in disease. Therefore, it has been classified as a Variant of Uncertain Significance.